The following is an entry in ClinVar:

ClinVar aggregate classification (germline): Benign (0 of 4 stars; one submission).

Conditions:
LRP1B-related disorder. Also called: LRP1B-related condition.

Submission:

PreventionGenetics, part of Exact Sciences
Classification: Benign for LRP1B-related condition. Last evaluated: 2019-11-13. Review status: no assertion criteria provided. Collection method: clinical testing. Allele origin: germline.
Comment: This variant is classified as benign based on ACMG/AMP sequence variant interpretation guidelines (Richards et al. 2015 PMID: 25741868, with internal and published modifications).

NM_018557.3(LRP1B):c.344-9dup

Gene: LRP1B (LDL receptor related protein 1B; minus strand). Cytogenetic location: 2q22.1.
Variant type: Duplication.
Coding change: c.344-9dup on transcript NM_018557.3 (MANE Select); 9 bases into the intron before coding-DNA position 344, one base duplicated (T; older notation c.344-9dupT).
Molecular consequence: intron variant.
Genome position (GRCh38, 1-based): chr2:141,254,650, A duplicated on the plus strand (T on the coding strand, the reverse complement: LRP1B is on the minus strand); the first of 6 consecutive A bases (chr2:141,254,650-141,254,655); duplicating any one gives the same sequence. VCF-style (leftmost placement, unchanged base first): chr2-141254649-G-GA. GRCh37 (hg19) VCF-style: chr2-142012218-G-GA.
Identifiers: ClinVar variation 3046077 (VCV003046077.2), dbSNP rs138919288, ClinGen allele CA1896308.